The following is an entry in ClinVar:

NM_005393.3(PLXNB3):c.305G>A (p.Arg102His)

Gene: PLXNB3 (plexin B3; plus strand). Cytogenetic location: Xq28.
Variant type: single nucleotide variant.
Coding change: c.305G>A on transcript NM_005393.3 (MANE Select); coding-DNA position 305, G replaced by A.
Protein change: p.Arg102His; replaces arginine 102 with histidine.
Molecular consequence: missense variant.
Genome position (GRCh38, 1-based): chrX:153,767,132, G>A. VCF-style: chrX-153767132-G-A. GRCh37 (hg19) VCF-style: chrX-153032587-G-A.
Other names: c.374G>A, p.Arg125His (NM_001163257.2); short protein forms R102H, R125H.
Identifiers: ClinVar variation 3040913 (VCV003040913.2), dbSNP rs148423464, ClinGen allele CA10550532.

ClinVar aggregate classification (germline): Likely benign (0 of 4 stars; one submission).

Conditions:
PLXNB3-related disorder. Also called: PLXNB3-related condition.

Allele frequency attached by ClinVar (database versions not stated): gnomAD exomes 0.00008; ExAC 0.00028; 1000 Genomes Project 0.00053; 1000 Genomes Project 30x 0.00062; gnomAD 0.00086; TOPMed 0.00102; ESP Exome Variant Server 0.00142.
gnomAD v4.1: 190 of 1,208,551 alleles (0.016%); highest among the groups gnomAD compares: African/African-American, 0.28%; no homozygotes.

Submission:

PreventionGenetics, part of Exact Sciences
Classification: Likely benign for PLXNB3-related condition. Last evaluated: 2022-02-15. Review status: no assertion criteria provided. Collection method: clinical testing. Allele origin: germline.
Comment: This variant is classified as likely benign based on ACMG/AMP sequence variant interpretation guidelines (Richards et al. 2015 PMID: 25741868, with internal and published modifications).